The following is an entry in ClinVar:

NM_001130009.3(GEN1):c.2470T>C (p.Ser824Pro)

Gene: GEN1 (GEN1 Holliday junction 5' flap endonuclease; plus strand). Cytogenetic location: 2p24.2.
Variant type: single nucleotide variant.
Coding change: c.2470T>C on transcript NM_001130009.3 (MANE Select); coding-DNA position 2470, T replaced by C.
Protein change: p.Ser824Pro; replaces serine 824 with proline.
Molecular consequence: missense variant.
Genome position (GRCh38, 1-based): chr2:17,781,682, T>C. VCF-style: chr2-17781682-T-C. GRCh37 (hg19) VCF-style: chr2-17962949-T-C.
Other names: c.2470T>C, p.Ser824Pro (NM_182625.5); short protein forms S824P.
Identifiers: ClinVar variation 4029200 (VCV004029200.1).
Genomic context (GRCh38, chr2:17,781,682, plus strand): 5'-GAACAAAGTGCCCCAGTGTTTGGGAAAGCTAAGTACACAACTCAAAGAATGAAGCACAGT[T>C]CTCAAAAGCATAATTCATCCCATTTCAAAGAAAGTGGCCATAACAAGTTGAGTAGCCCTA-3'
Protein context (NP_001123481.3, residues 814-834): KYTTQRMKHS[Ser824Pro]QKHNSSHFKE

ClinVar aggregate classification (germline): Uncertain significance (1 of 4 stars; one submission).

Submission:

Ambry Genetics
Classification: Uncertain significance. Last evaluated: 2025-04-05. Review status: criteria provided, single submitter. Criteria: Ambry Variant Classification Scheme 2023. Collection method: clinical testing. Allele origin: germline.
Comment: The p.S824P variant (also known as c.2470T>C), located in coding exon 13 of the GEN1 gene, results from a T to C substitution at nucleotide position 2470. The serine at codon 824 is replaced by proline, an amino acid with similar properties. This amino acid position is conserved. In addition, this alteration is predicted to be tolerated by in silico analysis. Based on the available evidence, the clinical significance of this variant remains unclear.